The following is an entry in ClinVar:

ClinVar aggregate classification (germline): Pathogenic (1 of 4 stars; one submission).

Conditions:
Achondrogenesis, type IB (ACG1B). Also called: Achondrogenesis Type 1B. Identifiers: Orphanet 932, Orphanet 93298, MedGen C0265274, MONDO:0010966, OMIM 600972.
Diastrophic dysplasia (DTD). Also called: Diastrophic dwarfism. Identifiers: Orphanet 628, MedGen C0220726, MONDO:0009107, OMIM 222600.
Multiple epiphyseal dysplasia type 4 (EDM4). Also called: Multiple Epiphyseal Dysplasia, Recessive; MULTIPLE EPIPHYSEAL DYSPLASIA WITH BILAYERED PATELLAE; MULTIPLE EPIPHYSEAL DYSPLASIA WITH CLUBFOOT; MULTIPLE EPIPHYSEAL DYSPLASIA, AUTOSOMAL RECESSIVE; SLC26A2-Related Multiple Epiphyseal Dysplasia. Identifiers: Orphanet 93307, MedGen C1847593, MONDO:0009189, OMIM 226900.
Atelosteogenesis type II (AO2). Also called: NEONATAL OSSEOUS DYSPLASIA I; Neonatal osseous dysplasia 1; SLC26A2-Related Atelosteogenesis. Identifiers: Orphanet 56304, MedGen C1850554, MONDO:0009727, OMIM 256050.

Submission:

Labcorp Genetics (formerly Invitae), Labcorp
Classification: Pathogenic for Atelosteogenesis type II; Multiple epiphyseal dysplasia type 4; Achondrogenesis, type IB; Diastrophic dysplasia. Last evaluated: 2023-01-20. Review status: criteria provided, single submitter. Criteria: Invitae Variant Classification Sherloc (09022015). Collection method: clinical testing. Allele origin: germline.
Comment: For these reasons, this variant has been classified as Pathogenic. This variant disrupts a region of the SLC26A2 protein in which other variant(s) (p.Ala715) have been determined to be pathogenic (PMID: 11448940, 15294877, 21077204). This suggests that this is a clinically significant region of the protein, and that variants that disrupt it are likely to be disease-causing. This variant has not been reported in the literature in individuals affected with SLC26A2-related conditions. This variant is not present in population databases (gnomAD no frequency). This sequence change creates a premature translational stop signal (p.Asn696Thrfs*39) in the SLC26A2 gene. While this is not anticipated to result in nonsense mediated decay, it is expected to disrupt the last 44 amino acid(s) of the SLC26A2 protein.

Literature cited by the submitters: PubMed 11448940; PubMed 15294877; PubMed 21077204.

NM_000112.4(SLC26A2):c.2085del (p.Asn696fs)

Gene: SLC26A2 (solute carrier family 26 member 2; plus strand). Cytogenetic location: 5q32.
Variant type: Deletion.
Coding change: c.2085del on transcript NM_000112.4 (MANE Select); coding-DNA position 2085, one base deleted (C; older notation c.2085delC).
Protein change: p.Asn696fs; shifts the reading frame from asparagine 696.
Molecular consequence: frameshift variant.
Genome position (GRCh38, 1-based): chr5:149,981,678, C deleted; the last of 2 consecutive C bases (chr5:149,981,677-149,981,678); deleting either gives the same sequence. VCF-style (leftmost placement, unchanged base first): chr5-149981676-AC-A. GRCh37 (hg19) VCF-style: chr5-149361239-AC-A.
Other names: short protein forms N696fs.
Identifiers: ClinVar variation 2943452 (VCV002943452.3), dbSNP rs2480778034, ClinGen allele CA2740094151.